The following is an entry in ClinVar:

ClinVar aggregate classification (germline): Uncertain significance (1 of 4 stars; one submission).

Conditions:
Early-infantile DEE. Also called: Ohtahara syndrome; Early infantile epileptic encephalopathy with suppression bursts; Early infantile epileptic encephalopathy. Identifiers: Orphanet 1934, MedGen C0393706, MONDO:0800491.

Submission:

Labcorp Genetics (formerly Invitae), Labcorp
Classification: Uncertain significance for Early-infantile DEE. Last evaluated: 2019-12-30. Review status: criteria provided, single submitter. Criteria: Invitae Variant Classification Sherloc (09022015). Collection method: clinical testing. Allele origin: germline.
Comment: In summary, the available evidence is currently insufficient to determine the role of this variant in disease. Therefore, it has been classified as a Variant of Uncertain Significance. Algorithms developed to predict the effect of missense changes on protein structure and function (SIFT, PolyPhen-2, Align-GVGD) all suggest that this variant is likely to be disruptive, but these predictions have not been confirmed by published functional studies and their clinical significance is uncertain. This variant has not been reported in the literature in individuals with SCN1A-related conditions. This variant is not present in population databases (ExAC no frequency). This sequence change replaces proline with arginine at codon 1799 of the SCN1A protein (p.Pro1799Arg). The proline residue is highly conserved and there is a moderate physicochemical difference between proline and arginine.

NM_001165963.4(SCN1A):c.5396C>G (p.Pro1799Arg)

Genes: SCN1A (sodium voltage-gated channel alpha subunit 1; minus strand), LOC102724058 (uncharacterized LOC102724058; plus strand). Cytogenetic location: 2q24.3.
Variant type: single nucleotide variant.
Coding change: c.5396C>G on transcript NM_001165963.4 (MANE Select); coding-DNA position 5396, C replaced by G.
Protein change: p.Pro1799Arg; replaces proline 1799 with arginine.
Molecular consequence: missense variant. On other transcripts: non-coding transcript variant (1).
Genome position (GRCh38, 1-based): chr2:165,991,879, G>C on the plus strand (C>G on the coding strand, the complement: SCN1A is on the minus strand). VCF-style: chr2-165991879-G-C. GRCh37 (hg19) VCF-style: chr2-166848389-G-C.
Other names: c.5312C>G, p.Pro1771Arg (NM_001165964.3, NM_001353957.2, NM_001353958.2); c.5396C>G, p.Pro1799Arg (NM_001202435.3, NM_001353948.2); c.5363C>G, p.Pro1788Arg (NM_001353949.2, NM_001353950.2, NM_001353951.2 and 2 more transcripts); c.5360C>G, p.Pro1787Arg (NM_001353954.2, NM_001353955.2); c.5309C>G, p.Pro1770Arg (NM_001353960.2); c.2954C>G, p.Pro985Arg (NM_001353961.2); short protein forms P1770R, P1788R, P1787R, P985R, P1771R, P1799R.
Identifiers: ClinVar variation 849921 (VCV000849921.10), dbSNP rs1689226274, ClinGen allele CA349067804.